The following is an entry in ClinVar:

NM_001127644.2(GABRA1):c.703+1G>T

Gene: GABRA1 (gamma-aminobutyric acid type A receptor subunit alpha1; plus strand). Cytogenetic location: 5q34.
Variant type: single nucleotide variant.
Coding change: c.703+1G>T on transcript NM_001127644.2 (MANE Select); the canonical splice donor site of the intron after coding-DNA position 703, G replaced by T.
Molecular consequence: splice donor variant.
Genome position (GRCh38, 1-based): chr5:161,882,702, G>T. VCF-style: chr5-161882702-G-T. GRCh37 (hg19) VCF-style: chr5-161309708-G-T.
Other names: c.703+1G>T (NM_000806.5, NM_001127643.2, NM_001127645.2 and 1 more transcripts).
Identifiers: ClinVar variation 4687011 (VCV004687011.1).

ClinVar aggregate classification (germline): Uncertain significance (1 of 4 stars; one submission).

Submission:

GeneDx
Classification: Uncertain significance. Last evaluated: 2025-07-21. Review status: criteria provided, single submitter. Criteria: GeneDx Variant Classification Process June 2021. Collection method: clinical testing. Allele origin: germline. Affected: yes.
Comment: Canonical splice site variant with an unclear effect on protein function; Not observed at significant frequency in large population cohorts (gnomAD); Has not been previously published as pathogenic or benign to our knowledge